The following is an entry in ClinVar:

ClinVar aggregate classification (germline): Uncertain significance (1 of 4 stars; one submission).

Submission:

GeneDx
Classification: Uncertain significance. Last evaluated: 2025-06-24. Review status: criteria provided, single submitter. Criteria: GeneDx Variant Classification Process June 2021. Collection method: clinical testing. Allele origin: germline. Affected: yes.
Comment: In silico analysis supports that this missense variant has a deleterious effect on protein structure/function; Has not been previously published as pathogenic or benign to our knowledge

NM_001003841.3(SLC6A19):c.1763T>C (p.Ile588Thr)

Gene: SLC6A19 (solute carrier family 6 member 19; plus strand). Cytogenetic location: 5p15.33.
Variant type: single nucleotide variant.
Coding change: c.1763T>C on transcript NM_001003841.3 (MANE Select); coding-DNA position 1763, T replaced by C.
Protein change: p.Ile588Thr; replaces isoleucine 588 with threonine.
Molecular consequence: missense variant.
Genome position (GRCh38, 1-based): chr5:1,221,762, T>C. VCF-style: chr5-1221762-T-C. GRCh37 (hg19) VCF-style: chr5-1221877-T-C.
Other names: short protein forms I588T.
Identifiers: ClinVar variation 4540219 (VCV004540219.1).